The following is an entry in ClinVar:

NM_001379500.1(COL18A1):c.107-11509G>A

Gene: COL18A1 (collagen type XVIII alpha 1 chain; plus strand). Cytogenetic location: 21q22.3.
Variant type: single nucleotide variant.
Coding change: c.107-11509G>A on transcript NM_001379500.1 (MANE Select); 11509 bases into the intron before coding-DNA position 107, G replaced by A.
Molecular consequence: intron variant. On other transcripts: synonymous variant (1).
Genome position (GRCh38, 1-based): chr21:45,456,733, G>A. VCF-style: chr21-45456733-G-A. GRCh37 (hg19) VCF-style: chr21-46876647-G-A.
Other names: c.1203G>A, p.Pro401= (NM_130444.3); c.646+557G>A (NM_030582.4).
Identifiers: ClinVar variation 4873321 (VCV004873321.3).
Genomic context (GRCh38, chr21:45,456,733, plus strand): 5'-CCACCCCTTCCTCGCCTGGTTCTTCTGCCTGCTGCTGGTCCCCCCATGCGGCAGCGTCCC[G>A]CCGCCCGCCCCGCCACCCTGCTGCCAGTTCTGCGAGGCCCTGCAGGATGCGTGTTGGAGC-3'

ClinVar aggregate classification (germline): Likely benign. Review status: criteria provided, multiple submitters, no conflicts (2 of 4 stars). 2 submissions from 2 submitters: Likely benign (2). Last evaluated 2026-06-01.

gnomAD v4.1: 647 of 1,515,810 alleles (0.043%); highest among the groups gnomAD compares: African/African-American, 0.75%; 1 homozygote.

Submissions (2):

CeGaT Center for Human Genetics Tuebingen
Classification: Likely benign. Last evaluated: 2026-06-01. Review status: criteria provided, single submitter. Criteria: CeGaT Center For Human Genetics Tuebingen Variant Classification Criteria Version 2. Collection method: clinical testing. Allele origin: germline. Affected: yes. Observed: 1 variant allele.
Comment: COL18A1: BP4, BP7

Blueprint Genetics
Classification: Likely benign. Last evaluated: 2024-10-21. Review status: criteria provided, single submitter. Criteria: ACMG Guidelines, 2015. Collection method: clinical testing. Allele origin: germline.